The following is an entry in ClinVar:

ClinVar aggregate classification (germline): Conflicting classifications of pathogenicity. Review status: criteria provided, conflicting classifications (1 of 4 stars). 4 submissions from 4 submitters: Uncertain significance (3); Likely benign (1). Last evaluated 2025-03-03.

Conditions:
Hereditary cancer-predisposing syndrome. Also called: Hereditary neoplastic syndrome; Neoplastic Syndromes, Hereditary; Hereditary Cancer Syndrome; Tumor predisposition. Identifiers: Orphanet 140162, MedGen C0027672, MeSH D009386, MONDO:0015356.
Hereditary breast ovarian cancer syndrome. Also called: BRCA1- and BRCA2-Associated Hereditary Breast and Ovarian Cancer; Hereditary breast and ovarian cancer syndrome; Hereditary breast and ovarian cancer syndrome (HBOC); Hereditary breast and/or ovarian cancer syndrome; Breast and ovarian cancer; Hereditary breast and ovarian cancer. Identifiers: Orphanet 145, MedGen C0677776, MeSH D061325, MONDO:0003582. Disease mechanism: loss of function.

Submissions (4):

Ambry Genetics
Classification: Uncertain significance for Hereditary cancer-predisposing syndrome. Last evaluated: 2025-03-03. Review status: criteria provided, single submitter. Criteria: Ambry Variant Classification Scheme 2023. Collection method: clinical testing. Allele origin: germline.
Comment: The p.K601R variant (also known as c.1802A>G), located in coding exon 9 of the BRCA2 gene, results from an A to G substitution at nucleotide position 1802. The lysine at codon 601 is replaced by arginine, an amino acid with highly similar properties. This amino acid position is poorly conserved in available vertebrate species. In addition, this alteration is predicted to be tolerated by in silico analysis. Based on the available evidence, the clinical significance of this variant remains unclear.

Color Diagnostics, LLC DBA Color Health
Classification: Uncertain significance for Hereditary cancer-predisposing syndrome. Last evaluated: 2024-03-06. Review status: criteria provided, single submitter. Criteria: ACMG Guidelines, 2015. Collection method: clinical testing. Allele origin: germline.
Comment: This missense variant replaces lysine with arginine at codon 601 of the BRCA2 protein. Computational prediction suggests that this variant may not impact protein structure and function (internally defined REVEL score threshold <= 0.5, PMID: 27666373). To our knowledge, functional studies have not been reported for this variant. This variant has not been reported in individuals affected with hereditary cancer in the literature. This variant has not been identified in the general population by the Genome Aggregation Database (gnomAD). The available evidence is insufficient to determine the role of this variant in disease conclusively. Therefore, this variant is classified as a Variant of Uncertain Significance.

University of Washington Department of Laboratory Medicine, University of Washington
Classification: Likely benign for Hereditary cancer-predisposing syndrome. Last evaluated: 2023-03-23. Review status: criteria provided, single submitter. Criteria: Dines et al. (Genet Med. 2020). Collection method: curation. Allele origin: germline.
Comment: Missense variant in a coldspot region where missense variants are very unlikely to be pathogenic (PMID:31911673).

BRCA2 exon 10 coldspot. Reclassification based on statistical prior probability.

Labcorp Genetics (formerly Invitae), Labcorp
Classification: Uncertain significance for Hereditary breast ovarian cancer syndrome. Last evaluated: 2021-02-18. Review status: criteria provided, single submitter. Criteria: Invitae Variant Classification Sherloc (09022015). Collection method: clinical testing. Allele origin: germline.
Comment: This sequence change replaces lysine with arginine at codon 601 of the BRCA2 protein (p.Lys601Arg). The lysine residue is weakly conserved and there is a small physicochemical difference between lysine and arginine. This variant is not present in population databases (ExAC no frequency). This variant has not been reported in the literature in individuals with BRCA2-related disease. Algorithms developed to predict the effect of missense changes on protein structure and function (SIFT, PolyPhen-2, Align-GVGD) all suggest that this variant is likely to be tolerated, but these predictions have not been confirmed by published functional studies and their clinical significance is uncertain. Algorithms developed to predict the effect of sequence changes on RNA splicing suggest that this variant may create or strengthen a splice site, but this prediction has not been confirmed by published transcriptional studies. In summary, the available evidence is currently insufficient to determine the role of this variant in disease. Therefore, it has been classified as a Variant of Uncertain Significance.

NM_000059.4(BRCA2):c.1802A>G (p.Lys601Arg)

Gene: BRCA2 (BRCA2 DNA repair associated; plus strand). Cytogenetic location: 13q13.1.
Variant type: single nucleotide variant.
Coding change: c.1802A>G on transcript NM_000059.4 (MANE Select); coding-DNA position 1802, A replaced by G.
Protein change: p.Lys601Arg; replaces lysine 601 with arginine.
Molecular consequence: missense variant.
Genome position (GRCh38, 1-based): chr13:32,333,280, A>G. VCF-style: chr13-32333280-A-G. GRCh37 (hg19) VCF-style: chr13-32907417-A-G.
Other names: short protein forms K601R.
Identifiers: ClinVar variation 658317 (VCV000658317.14), dbSNP rs1593893911, ClinGen allele CA387765880.